The following is an entry in ClinVar:

NM_006019.4(TCIRG1):c.71C>T (p.Thr24Ile)

Gene: TCIRG1 (T cell immune regulator 1, ATPase H+ transporting V0 subunit a3; plus strand). Cytogenetic location: 11q13.2.
Variant type: single nucleotide variant.
Coding change: c.71C>T on transcript NM_006019.4 (MANE Select); coding-DNA position 71, C replaced by T.
Protein change: p.Thr24Ile; replaces threonine 24 with isoleucine.
Molecular consequence: missense variant. On other transcripts: 5 prime UTR variant (1).
Genome position (GRCh38, 1-based): chr11:68,041,342, C>T. VCF-style: chr11-68041342-C-T. GRCh37 (hg19) VCF-style: chr11-67808809-C-T.
Other names: c.-1179C>T (NM_001351059.2); short protein forms T24I.
Identifiers: ClinVar variation 1439784 (VCV001439784.6), dbSNP rs2134430705, ClinGen allele CA381572891.

ClinVar aggregate classification (germline): Uncertain significance (1 of 4 stars; one submission).

Submission:

Labcorp Genetics (formerly Invitae), Labcorp
Classification: Uncertain significance. Last evaluated: 2022-07-19. Review status: criteria provided, single submitter. Criteria: Invitae Variant Classification Sherloc (09022015). Collection method: clinical testing. Allele origin: germline.
Comment: In summary, the available evidence is currently insufficient to determine the role of this variant in disease. Therefore, it has been classified as a Variant of Uncertain Significance. Algorithms developed to predict the effect of missense changes on protein structure and function (SIFT, PolyPhen-2, Align-GVGD) all suggest that this variant is likely to be tolerated. ClinVar contains an entry for this variant (Variation ID: 1439784). This variant has not been reported in the literature in individuals affected with TCIRG1-related conditions. This variant is not present in population databases (gnomAD no frequency). This sequence change replaces threonine, which is neutral and polar, with isoleucine, which is neutral and non-polar, at codon 24 of the TCIRG1 protein (p.Thr24Ile).